The following is an entry in ClinVar:

NM_001099922.3(ALG13):c.2437A>G (p.Thr813Ala)

Gene: ALG13 (ALG13 UDP-N-acetylglucosaminyltransferase subunit; plus strand). Cytogenetic location: Xq23.
Variant type: single nucleotide variant.
Coding change: c.2437A>G on transcript NM_001099922.3 (MANE Select); coding-DNA position 2437, A replaced by G.
Protein change: p.Thr813Ala; replaces threonine 813 with alanine.
Molecular consequence: missense variant. On other transcripts: non-coding transcript variant (1).
Genome position (GRCh38, 1-based): chrX:111,730,560, A>G. VCF-style: chrX-111730560-A-G. GRCh37 (hg19) VCF-style: chrX-110973788-A-G.
Other names: c.2125A>G, p.Thr709Ala (NM_001257230.2, NM_001257234.2, NM_001257237.2); c.2203A>G, p.Thr735Ala (NM_001257231.2); c.2437A>G, p.Thr813Ala (NM_001324292.2); c.1951A>G, p.Thr651Ala (NM_001324293.1); short protein forms T813A, T651A, T735A, T709A.
Identifiers: ClinVar variation 946220 (VCV000946220.8), dbSNP rs746099604, ClinGen allele CA10493894.

ClinVar aggregate classification (germline): Uncertain significance. Review status: criteria provided, multiple submitters, no conflicts (2 of 4 stars). 2 submissions from 2 submitters: Uncertain significance (2). Last evaluated 2025-12-19.

Conditions:
Developmental and epileptic encephalopathy, 36 (DEE36). Also called: Congenital disorder of glycosylation, type Is; Epileptic encephalopathy, early infantile, 36; ALG13-CDG. Identifiers: Orphanet 324422, MedGen C4317295, MONDO:0010472, OMIM 300884.

Allele frequency attached by ClinVar (database versions not stated): gnomAD exomes below 0.00001 and 0.00002; gnomAD 0.00007 and 0.00009; ExAC 0.00010; TOPMed 0.00014.
gnomAD v4.1: 12 of 1,186,188 alleles (0.001%); highest among the groups gnomAD compares: African/African-American, 0.018%; no homozygotes.

Submissions (2):

Labcorp Genetics (formerly Invitae), Labcorp
Classification: Uncertain significance for Developmental and epileptic encephalopathy, 36. Last evaluated: 2025-12-19. Review status: criteria provided, single submitter. Criteria: Invitae Variant Classification Sherloc (09022015). Collection method: clinical testing. Allele origin: germline.
Comment: This sequence change replaces threonine, which is neutral and polar, with alanine, which is neutral and non-polar, at codon 813 of the ALG13 protein (p.Thr813Ala). This variant is present in population databases (rs746099604, gnomAD 0.02%). This variant has not been reported in the literature in individuals affected with ALG13-related conditions. ClinVar contains an entry for this variant (Variation ID: 946220). Invitae Evidence Modeling of protein sequence and biophysical properties (such as structural, functional, and spatial information, amino acid conservation, physicochemical variation, residue mobility, and thermodynamic stability) indicates that this missense variant is not expected to disrupt ALG13 protein function with a negative predictive value of 95%. In summary, the available evidence is currently insufficient to determine the role of this variant in disease. Therefore, it has been classified as a Variant of Uncertain Significance.

Fulgent Genetics
Classification: Uncertain significance for Developmental and epileptic encephalopathy, 36. Last evaluated: 2022-01-28. Review status: criteria provided, single submitter. Criteria: ACMG Guidelines, 2015. Collection method: clinical testing. Allele origin: unknown.